The following is an entry in ClinVar:

NM_001371279.1(REEP1):c.182G>A (p.Trp61Ter)

Gene: REEP1 (receptor accessory protein 1; minus strand). Cytogenetic location: 2p11.2.
Variant type: single nucleotide variant.
Coding change: c.182G>A on transcript NM_001371279.1 (MANE Select); coding-DNA position 182, G replaced by A.
Protein change: p.Trp61Ter; replaces tryptophan 61 with a stop codon.
Molecular consequence: nonsense.
Genome position (GRCh38, 1-based): chr2:86,263,965, C>T on the plus strand (G>A on the coding strand, the complement: REEP1 is on the minus strand). VCF-style: chr2-86263965-C-T. GRCh37 (hg19) VCF-style: chr2-86491088-C-T.
Other names: c.203G>A, p.Trp68Ter (NM_001164730.2); c.101G>A, p.Trp34Ter (NM_001164731.2); c.182G>A, p.Trp61Ter (NM_001164732.2, NM_001371280.1, NM_022912.3); short protein forms W61*, W68*, W34*.
Identifiers: ClinVar variation 620230 (VCV000620230.11), dbSNP rs1558898568, ClinGen allele CA347719879.

ClinVar aggregate classification (germline): Pathogenic. Review status: criteria provided, multiple submitters, no conflicts (2 of 4 stars). 5 submissions from 5 submitters: Pathogenic (4). 1 of the submissions does not count toward it. Last evaluated 2021-11-24.

Conditions:
Hereditary spastic paraplegia 31. Also called: SPASTIC PARAPLEGIA 31, AUTOSOMAL DOMINANT. Identifiers: Orphanet 101011, MedGen C1853247, MONDO:0012453, OMIM 610250.

Submissions (5):

Labcorp Genetics (formerly Invitae), Labcorp
Classification: Pathogenic for Hereditary spastic paraplegia 31. Last evaluated: 2021-11-24. Review status: criteria provided, single submitter. Criteria: Invitae Variant Classification Sherloc (09022015). Collection method: clinical testing. Allele origin: germline.
Comment: Algorithms developed to predict the effect of sequence changes on RNA splicing suggest that this variant may disrupt the consensus splice site. For these reasons, this variant has been classified as Pathogenic. ClinVar contains an entry for this variant (Variation ID: 620230). This variant has not been reported in the literature in individuals affected with REEP1-related conditions. This variant is not present in population databases (gnomAD no frequency). This sequence change creates a premature translational stop signal (p.Trp61*) in the REEP1 gene. It is expected to result in an absent or disrupted protein product. Loss-of-function variants in REEP1 are known to be pathogenic (PMID: 18321925, 18644145, 22703882).

Institute of Medical Genetics and Applied Genomics, University Hospital Tübingen
Classification: Pathogenic. Last evaluated: 2020-10-23. Review status: criteria provided, single submitter. Criteria: ACMG Guidelines, 2015. Collection method: clinical testing. Allele origin: germline. Inheritance: Autosomal dominant inheritance. Affected: yes.

GeneDx
Classification: Pathogenic. Last evaluated: 2018-06-14. Review status: criteria provided, single submitter. Criteria: GeneDx Variant Classification (06012015). Collection method: clinical testing. Allele origin: germline. Affected: yes.
Comment: The W61X nonsense variant in the REEP1 gene1 has not been published as a pathogenic variant, nor has it been reported as a benign variant to our knowledge. This pathogenic variant is predicted to cause loss of normal protein function either through protein truncation or nonsense-mediated mRNA decay. Other loss-of-function variants have been reported downstream in the Human Gene Mutation Database (Stenson et al., 2014). Additionally, the W61X variant is not observed in large population cohorts (Lek et al., 2016).

Juno Genomics, Hangzhou Juno Genomics, Inc
Classification: Pathogenic for Hereditary spastic paraplegia 31. Review status: criteria provided, single submitter. Criteria: ACMG Guidelines, 2015. Collection method: clinical testing. Allele origin: germline. Affected: yes.
Comment: Absent from controls (or at extremely low frequency if recessive) in Genome Aggregation Database, Exome Sequencing Project, 1000 Genomes Project, or Exome Aggregation Consortium.;Null variant in a gene where loss of function (LOF) is a known mechanism of disease.;Patient's phenotype or family history is highly specific for a disease with a single genetic etiology.

Solve-RD Consortium
Classification: Likely pathogenic for Hereditary spastic paraplegia 31. Last evaluated: 2022-06-01. Review status: no assertion criteria provided. Collection method: provider interpretation. Allele origin: inherited. Affected: yes. Not counted in ClinVar's aggregate classification.
Comment: Variant confirmed as disease-causing by referring clinical team

Variant identified during reanalysis of unsolved cases by the Solve-RD project. The Solve-RD project has received funding from the European Union’s Horizon 2020 research and innovation programme under grant agreement No 779257.

Literature cited by the submitters: PubMed 18321925 (cited by Labcorp Genetics (formerly Invitae), Labcorp); PubMed 18644145 (cited by Labcorp Genetics (formerly Invitae), Labcorp); PubMed 22703882 (cited by Labcorp Genetics (formerly Invitae), Labcorp); PubMed 39825153 (cited by Solve-RD Consortium).